The following is an entry in ClinVar:

ClinVar aggregate classification (germline): Pathogenic (1 of 4 stars; one submission).

Submission:

GeneDx
Classification: Pathogenic. Last evaluated: 2014-09-12. Review status: criteria provided, single submitter. Criteria: GeneDx Variant Classification (06012015). Collection method: clinical testing. Allele origin: germline. Affected: yes.
Comment: c.691_700del10insCTT: p.Val231LeufsX22 (V231LfsX22) in exon 2 of the TBC1D24 gene (NM_020705.2). The normal sequence with the bases that are deleted in braces followed by the inserted bases in brackets is: TGAC[del10]{CTT}TGGA.The c.691_700del10insCTT mutation in the TBC1D24 gene causes a frameshift starting with codon Valine 231, changes this amino acid to a Leucine residue and creates a premature Stop codon at position 22 of the new reading frame, denoted p.Val231LeufsX22. This mutation is predicted to cause loss of normal protein function either through protein truncation or nonsense-mediated mRNA decay. Although this mutation has not been previously reported to our knowledge, other truncating mutations have been reported in the TBC1D24 protein, and therefore, c.691_700del10insCTT is considered a disease-causing mutation. The variant is found in INFANT-EPI panel(s).

NM_001199107.2(TBC1D24):c.691_700delinsCTT (p.Val231fs)

Gene: TBC1D24 (TBC1 domain family member 24; plus strand). Cytogenetic location: 16p13.3.
Variant type: Indel.
Coding change: c.691_700delinsCTT on transcript NM_001199107.2 (MANE Select); coding-DNA positions 691 to 700, GTCTTCCTGG replaced by CTT.
Protein change: p.Val231fs; shifts the reading frame from valine 231.
Molecular consequence: frameshift variant.
Genome position (GRCh38, 1-based): chr16:2,496,839-2,496,848, GTCTTCCTGG replaced by CTT. VCF-style: chr16-2496839-GTCTTCCTGG-CTT. GRCh37 (hg19) VCF-style: chr16-2546840-GTCTTCCTGG-CTT.
Other names: c.691_700delinsCTT, p.Val231fs (NM_020705.3); short protein forms V231fs.
Identifiers: ClinVar variation 207516 (VCV000207516.1), dbSNP rs796053407, ClinGen allele CA319071.
Genomic context (GRCh38, chr16:2,496,839, plus strand): 5'-GACTGGCAGCGCTGGCTGTTTGGGGAGCTGCCCCTCTGCTACTTCGCCCGGGTCTTTGAC[GTCTTCCTGG>CTT]TGGAGGGCTACAAGGTGCTGTACCGCGTGGCGCTGGCCATCCTCAAGTTCTTCCACAAGG-3'